The following is an entry in ClinVar:

ClinVar aggregate classification (germline): Uncertain significance. Review status: criteria provided, multiple submitters, no conflicts (2 of 4 stars). 2 submissions from 2 submitters: Uncertain significance (2). Last evaluated 2025-02-12.

Allele frequency attached by ClinVar (database versions not stated): ExAC 0.00010; TOPMed 0.00005; gnomAD 0.00008; gnomAD exomes 0.00013; ESP Exome Variant Server 0.00015.
gnomAD v4.1: 201 of 1,598,372 alleles (0.013%); highest among the groups gnomAD compares: Non-Finnish European, 0.013%; no homozygotes.

Submissions (2):

Labcorp Genetics (formerly Invitae), Labcorp
Classification: Uncertain significance. Last evaluated: 2025-02-12. Review status: criteria provided, single submitter. Criteria: Invitae Variant Classification Sherloc (09022015). Collection method: clinical testing. Allele origin: germline.
Comment: This sequence change replaces phenylalanine, which is neutral and non-polar, with tyrosine, which is neutral and polar, at codon 1031 of the BUB1 protein (p.Phe1031Tyr). This variant is present in population databases (rs199887786, gnomAD 0.08%), and has an allele count higher than expected for a pathogenic variant. This variant has not been reported in the literature in individuals affected with BUB1-related conditions. ClinVar contains an entry for this variant (Variation ID: 1727477). In summary, the available evidence is currently insufficient to determine the role of this variant in disease. Therefore, it has been classified as a Variant of Uncertain Significance.

Ambry Genetics
Classification: Uncertain significance. Last evaluated: 2024-11-02. Review status: criteria provided, single submitter. Criteria: Ambry Variant Classification Scheme 2023. Collection method: clinical testing. Allele origin: germline.
Comment: The p.F1031Y variant (also known as c.3092T>A), located in coding exon 25 of the BUB1 gene, results from a T to A substitution at nucleotide position 3092. The phenylalanine at codon 1031 is replaced by tyrosine, an amino acid with highly similar properties. This amino acid position is conserved. In addition, the in silico prediction for this alteration is inconclusive. Since supporting evidence is limited at this time, the clinical significance of this alteration remains unclear.

NM_004336.5(BUB1):c.3092T>A (p.Phe1031Tyr)

Gene: BUB1 (BUB1 mitotic checkpoint serine/threonine kinase; minus strand). Cytogenetic location: 2q13.
Variant type: single nucleotide variant.
Coding change: c.3092T>A on transcript NM_004336.5 (MANE Select); coding-DNA position 3092, T replaced by A.
Protein change: p.Phe1031Tyr; replaces phenylalanine 1031 with tyrosine.
Molecular consequence: missense variant.
Genome position (GRCh38, 1-based): chr2:110,638,130, A>T on the plus strand (T>A on the coding strand, the complement: BUB1 is on the minus strand). VCF-style: chr2-110638130-A-T. GRCh37 (hg19) VCF-style: chr2-111395707-A-T.
Other names: c.3032T>A, p.Phe1011Tyr (NM_001278616.2); c.2921T>A, p.Phe974Tyr (NM_001278617.2); short protein forms F1011Y, F1031Y, F974Y.
Identifiers: ClinVar variation 1727477 (VCV001727477.6), dbSNP rs199887786, ClinGen allele CA1827630.